The following is an entry in ClinVar:

NM_000168.6(GLI3):c.2961C>G (p.Tyr987Ter)

Gene: GLI3 (GLI family zinc finger 3; minus strand). Cytogenetic location: 7p14.1.
Variant type: single nucleotide variant.
Coding change: c.2961C>G on transcript NM_000168.6 (MANE Select); coding-DNA position 2961, C replaced by G.
Protein change: p.Tyr987Ter; replaces tyrosine 987 with a stop codon.
Molecular consequence: nonsense.
Genome position (GRCh38, 1-based): chr7:41,966,112, G>C on the plus strand (C>G on the coding strand, the complement: GLI3 is on the minus strand). VCF-style: chr7-41966112-G-C. GRCh37 (hg19) VCF-style: chr7-42005710-G-C.
Other names: short protein forms Y987*.
Identifiers: ClinVar variation 2944363 (VCV002944363.3), dbSNP rs528703005, ClinGen allele CA367319719.
Genomic context (GRCh38, chr7:41,966,112, plus strand): 5'-GTCGCTGGCCCTCCTCACGCCGTGGCCCGGCGCATCGTGCGGCTGCAGGTGGCGCCGCCC[G>C]TAGCCGTGGGCTCCCCCGTCGCTGCACCTCCTCGGGGCATGAACTGGAGGCAGGGCCACG-3'

ClinVar aggregate classification (germline): Pathogenic (1 of 4 stars; one submission).

Conditions:
Pallister-Hall syndrome (PHS). Also called: HYPOTHALAMIC HAMARTOBLASTOMA, HYPOPITUITARISM, IMPERFORATE ANUS, AND POSTAXIAL POLYDACTYLY; GLI3-Related Pallister-Hall Syndrome. Identifiers: Orphanet 672, MedGen C0265220, MONDO:0007804, OMIM 146510.
Greig cephalopolysyndactyly syndrome (GCPS). Also called: POLYSYNDACTYLY WITH PECULIAR SKULL SHAPE; Greig syndrome; GLI3-Related Greig Cephalopolysyndactyly Syndrome. Identifiers: Orphanet 380, MedGen C0265306, MONDO:0008287, OMIM 175700.

Submission:

Labcorp Genetics (formerly Invitae), Labcorp
Classification: Pathogenic for Pallister-Hall syndrome; Greig cephalopolysyndactyly syndrome. Last evaluated: 2023-02-16. Review status: criteria provided, single submitter. Criteria: Invitae Variant Classification Sherloc (09022015). Collection method: clinical testing. Allele origin: germline.
Comment: For these reasons, this variant has been classified as Pathogenic. This variant disrupts a region of the GLI3 protein in which other variant(s) (p.Thr1488Lysfs*23) have been determined to be pathogenic (PMID: 24736735). This suggests that this is a clinically significant region of the protein, and that variants that disrupt it are likely to be disease-causing. This variant has not been reported in the literature in individuals affected with GLI3-related conditions. This variant is not present in population databases (gnomAD no frequency). This sequence change creates a premature translational stop signal (p.Tyr987*) in the GLI3 gene. While this is not anticipated to result in nonsense mediated decay, it is expected to disrupt the last 594 amino acid(s) of the GLI3 protein.

Literature cited by the submitters: PubMed 24736735.